The following is an entry in ClinVar:

NM_000060.4:c.1337T>C

Variant type: single nucleotide variant.
Other names: c.1337T>C (NM_000060.4).
Identifiers: ClinVar variation 4815959 (VCV004815959.1).

ClinVar aggregate classification (germline): Likely pathogenic (1 of 4 stars; one submission).

Conditions:
Biotinidase deficiency. Also called: BTD deficiency; Late-onset biotin-responsive multiple carboxylase deficiency; Biotin deficiency. Identifiers: Orphanet 79241, MedGen C0220754, MONDO:0009665, OMIM 253260.

Submission:

Natera, Inc.
Classification: Likely pathogenic for Biotinidase deficiency. Last evaluated: 2025-04-28. Review status: criteria provided, single submitter. Criteria: Natera Variant Classification Schema (03/2026). Collection method: clinical testing. Allele origin: germline.
Comment: The c.1337T>C variant in BTD is a missense variant predicted to cause substitution of leucine to proline at amino acid 446. This variant is rare in the general population with a frequency below the threshold expected for the associated phenotype(s). This variant has been observed in one or more individuals affected with the associated recessive disease, as either homozygous or compound heterozygous with a second variant (PMID: 35167647). Functional studies show that this variant may disrupt protein function (PMID: 31337602). Computational prediction algorithms indicate this variant is likely to affect gene or protein function. Given the available evidence, this variant is classified as Likely Pathogenic.

Literature cited by the submitters: PubMed 35167647; PubMed 31337602.